The following is an entry in ClinVar:

ClinVar aggregate classification (germline): Uncertain significance. Review status: criteria provided, multiple submitters, no conflicts (2 of 4 stars). 2 submissions from 2 submitters: Uncertain significance (2). Last evaluated 2023-11-06.

Conditions:
Retinitis pigmentosa (RP). Identifiers: Orphanet 791, MedGen C0035334, MeSH D012174, MONDO:0019200, OMIM 268000. Inheritance: Autosomal dominant, autosomal recessive and X linked inheritance.

Allele frequency attached by ClinVar (database versions not stated): ExAC 0.00002; gnomAD 0.00003 and 0.00004.
gnomAD v4.1: 37 of 1,613,954 alleles (0.0023%); highest among the groups gnomAD compares: Non-Finnish European, 0.0028%; no homozygotes.

Submissions (2):

Labcorp Genetics (formerly Invitae), Labcorp
Classification: Uncertain significance. Last evaluated: 2023-11-06. Review status: criteria provided, single submitter. Criteria: Invitae Variant Classification Sherloc (09022015). Collection method: clinical testing. Allele origin: germline.
Comment: This sequence change replaces aspartic acid, which is acidic and polar, with asparagine, which is neutral and polar, at codon 1598 of the PRPF8 protein (p.Asp1598Asn). This variant is present in population databases (rs759664867, gnomAD 0.006%). This variant has not been reported in the literature in individuals affected with PRPF8-related conditions. ClinVar contains an entry for this variant (Variation ID: 892442). Advanced modeling of protein sequence and biophysical properties (such as structural, functional, and spatial information, amino acid conservation, physicochemical variation, residue mobility, and thermodynamic stability) performed at Invitae indicates that this missense variant is expected to disrupt PRPF8 protein function with a positive predictive value of 80%. In summary, the available evidence is currently insufficient to determine the role of this variant in disease. Therefore, it has been classified as a Variant of Uncertain Significance.

Illumina Laboratory Services, Illumina
Classification: Uncertain significance for Retinitis pigmentosa. Last evaluated: 2018-01-12. Review status: criteria provided, single submitter. Criteria: ICSL Variant Classification Criteria 13 December 2019. Collection method: clinical testing. Allele origin: germline.

NM_006445.4(PRPF8):c.4792G>A (p.Asp1598Asn)

Gene: PRPF8 (pre-mRNA processing factor 8; minus strand). Cytogenetic location: 17p13.3.
Variant type: single nucleotide variant.
Coding change: c.4792G>A on transcript NM_006445.4 (MANE Select); coding-DNA position 4792, G replaced by A.
Protein change: p.Asp1598Asn; replaces aspartic acid 1598 with asparagine.
Molecular consequence: missense variant.
Genome position (GRCh38, 1-based): chr17:1,659,995, C>T on the plus strand (G>A on the coding strand, the complement: PRPF8 is on the minus strand). VCF-style: chr17-1659995-C-T. GRCh37 (hg19) VCF-style: chr17-1563289-C-T.
Other names: short protein forms D1598N.
Identifiers: ClinVar variation 892442 (VCV000892442.9), dbSNP rs759664867, ClinGen allele CA8271575.